The following is an entry in ClinVar:

ClinVar aggregate classification (germline): Likely benign. Review status: criteria provided, multiple submitters, no conflicts (2 of 4 stars). 2 submissions from 2 submitters: Likely benign (2). Last evaluated 2025-04-22.

Conditions:
Autosomal dominant nonsyndromic hearing loss 20. Identifiers: Orphanet 90635, MedGen C1858172, MONDO:0011480, OMIM 604717.
Baraitser-winter syndrome 2. Identifiers: Orphanet 2995, MedGen C3281235, MONDO:0013812, OMIM 614583.

Allele frequency attached by ClinVar (database versions not stated): ExAC 0.00001; gnomAD 0.00001; gnomAD exomes 0.00001.
gnomAD v4.1: 7 of 1,613,818 alleles (0.00043%); highest among the groups gnomAD compares: Non-Finnish European, 0.00059%; no homozygotes.

Submissions (2):

Labcorp Genetics (formerly Invitae), Labcorp
Classification: Likely benign for Baraitser-winter syndrome 2; Autosomal dominant nonsyndromic hearing loss 20. Last evaluated: 2025-04-22. Review status: criteria provided, single submitter. Criteria: Invitae Variant Classification Sherloc (09022015). Collection method: clinical testing. Allele origin: germline.

Laboratory for Molecular Medicine, Mass General Brigham Personalized Medicine
Classification: Likely benign. Last evaluated: 2014-01-13. Review status: criteria provided, single submitter. Criteria: LMM Criteria. Collection method: clinical testing. Allele origin: germline. Observed: 1 variant allele.
Comment: Ile212Ile in Exon 4 of ACTG1: This variant is not expected to have clinical sign ificance because it does not alter an amino acid residue and is not located with in the splice consensus sequence.

NM_001614.5(ACTG1):c.636C>A (p.Ile212=)

Gene: ACTG1 (actin gamma 1; minus strand). Cytogenetic location: 17q25.3.
Variant type: single nucleotide variant.
Coding change: c.636C>A on transcript NM_001614.5 (MANE Select); coding-DNA position 636, C replaced by A.
Protein change: p.Ile212=; no amino-acid change (isoleucine 212 retained).
Molecular consequence: synonymous variant. On other transcripts: non-coding transcript variant (1).
Genome position (GRCh38, 1-based): chr17:81,511,354, G>T on the plus strand (C>A on the coding strand, the complement: ACTG1 is on the minus strand). VCF-style: chr17-81511354-G-T. GRCh37 (hg19) VCF-style: chr17-79478380-G-T.
Other names: c.636C>A, p.Ile212= (NM_001199954.3).
Identifiers: ClinVar variation 162715 (VCV000162715.5), dbSNP rs727502883, ClinGen allele CA175202.